The following is an entry in ClinVar:

ClinVar aggregate classification (germline): Likely benign. Review status: criteria provided, multiple submitters, no conflicts (2 of 4 stars). 2 submissions from 2 submitters: Likely benign (2). Last evaluated 2025-01-23.

Conditions:
BBS9-related disorder. Also called: BBS9-related condition.
Bardet-Biedl syndrome (BBS). Identifiers: Orphanet 110, MedGen C0752166, MONDO:0015229.

Allele frequency attached by ClinVar (database versions not stated): gnomAD exomes below 0.00001 and 0.00001; gnomAD 0.00001; TOPMed 0.00001.
gnomAD v4.1: 9 of 1,612,012 alleles (0.00056%); highest among the groups gnomAD compares: Non-Finnish European, 0.00076%; no homozygotes.

Submissions (2):

PreventionGenetics, part of Exact Sciences
Classification: Likely benign for BBS9-related condition. Last evaluated: 2025-01-23. Review status: criteria provided, single submitter. Criteria: ACMG Guidelines, 2015. Collection method: clinical testing. Allele origin: germline.
Comment: This variant is classified as likely benign based on ACMG/AMP sequence variant interpretation guidelines (Richards et al. 2015 PMID: 25741868, with internal and published modifications).

Labcorp Genetics (formerly Invitae), Labcorp
Classification: Likely benign for Bardet-Biedl syndrome. Last evaluated: 2022-02-08. Review status: criteria provided, single submitter. Criteria: Invitae Variant Classification Sherloc (09022015). Collection method: clinical testing. Allele origin: germline.

NM_198428.3(BBS9):c.1686C>T (p.Leu562=)

Gene: BBS9 (Bardet-Biedl syndrome 9; plus strand). Cytogenetic location: 7p14.3.
Variant type: single nucleotide variant.
Coding change: c.1686C>T on transcript NM_198428.3 (MANE Select); coding-DNA position 1686, C replaced by T.
Protein change: p.Leu562=; no amino-acid change (leucine 562 retained).
Molecular consequence: synonymous variant. On other transcripts: non-coding transcript variant (3).
Genome position (GRCh38, 1-based): chr7:33,357,988, C>T. VCF-style: chr7-33357988-C-T. GRCh37 (hg19) VCF-style: chr7-33397600-C-T.
Other names: c.1581C>T, p.Leu527= (NM_001033604.2); c.1671C>T, p.Leu557= (NM_001033605.2); c.1686C>T, p.Leu562= (NM_001348036.1, NM_001348041.4, NM_001348043.3 and 1 more transcripts); c.1320C>T, p.Leu440= (NM_001348037.3, NM_001348045.3, NM_001348046.3); c.1413C>T, p.Leu471= (NM_001348038.3); c.1308C>T, p.Leu436= (NM_001348039.3); c.1566C>T, p.Leu522= (NM_001348040.3, NM_014451.4); c.1551C>T, p.Leu517= (NM_001348042.3); and 1 more.
Identifiers: ClinVar variation 739287 (VCV000739287.9), dbSNP rs1278366304, ClinGen allele CA454451324.